The following is an entry in ClinVar:

ClinVar aggregate classification (germline): Uncertain significance (1 of 4 stars; one submission).

Allele frequency attached by ClinVar (database versions not stated): gnomAD 0.00001; gnomAD exomes 0.00002; ExAC 0.00004; 1000 Genomes Project 30x 0.00031; 1000 Genomes Project 0.00040.
gnomAD v4.1: 34 of 1,614,200 alleles (0.0021%); highest among the groups gnomAD compares: South Asian, 0.013%; no homozygotes.

Submission:

Labcorp Genetics (formerly Invitae), Labcorp
Classification: Uncertain significance. Last evaluated: 2025-12-15. Review status: criteria provided, single submitter. Criteria: Invitae Variant Classification Sherloc (09022015). Collection method: clinical testing. Allele origin: germline.
Comment: This sequence change replaces arginine, which is basic and polar, with glutamine, which is neutral and polar, at codon 1444 of the TRPM1 protein (p.Arg1444Gln). This variant is present in population databases (rs569536909, gnomAD 0.02%). This variant has not been reported in the literature in individuals affected with TRPM1-related conditions. ClinVar contains an entry for this variant (Variation ID: 2175337). Invitae Evidence Modeling of protein sequence and biophysical properties (such as structural, functional, and spatial information, amino acid conservation, physicochemical variation, residue mobility, and thermodynamic stability) indicates that this missense variant is not expected to disrupt TRPM1 protein function with a negative predictive value of 95%. In summary, the available evidence is currently insufficient to determine the role of this variant in disease. Therefore, it has been classified as a Variant of Uncertain Significance.

NM_001252024.2(TRPM1):c.4397G>A (p.Arg1466Gln)

Gene: TRPM1 (transient receptor potential cation channel subfamily M member 1; minus strand). Cytogenetic location: 15q13.3.
Variant type: single nucleotide variant.
Coding change: c.4397G>A on transcript NM_001252024.2 (MANE Select); coding-DNA position 4397, G replaced by A.
Protein change: p.Arg1466Gln; replaces arginine 1466 with glutamine.
Molecular consequence: missense variant.
Genome position (GRCh38, 1-based): chr15:31,002,303, C>T on the plus strand (G>A on the coding strand, the complement: TRPM1 is on the minus strand). VCF-style: chr15-31002303-C-T. GRCh37 (hg19) VCF-style: chr15-31294506-C-T.
Other names: c.4448G>A, p.Arg1483Gln (NM_001252020.2); c.4331G>A, p.Arg1444Gln (NM_002420.6); short protein forms R1444Q, R1466Q, R1483Q.
Identifiers: ClinVar variation 2175337 (VCV002175337.4), dbSNP rs569536909, ClinGen allele CA7451647.